The following is an entry in ClinVar:

ClinVar aggregate classification (germline): Likely benign. Review status: criteria provided, single submitter (1 of 4 stars). 2 submissions from 2 submitters: Likely benign (1). 1 of the submissions does not count toward it. Last evaluated 2025-02-01.

Conditions:
DNAH7-related disorder. Also called: DNAH7-related condition.

Allele frequency attached by ClinVar (database versions not stated): 1000 Genomes Project 0.00020; ESP Exome Variant Server 0.00025; TOPMed 0.00026; ExAC 0.00029; 1000 Genomes Project 30x 0.00031; gnomAD 0.00031; gnomAD exomes 0.00034.
gnomAD v4.1: 534 of 1,613,226 alleles (0.033%); highest among the groups gnomAD compares: Middle Eastern, 0.083%; 1 homozygote.

Submissions (2):

CeGaT Center for Human Genetics Tuebingen
Classification: Likely benign. Last evaluated: 2025-02-01. Review status: criteria provided, single submitter. Criteria: CeGaT Center For Human Genetics Tuebingen Variant Classification Criteria Version 2. Collection method: clinical testing. Allele origin: germline. Affected: yes. Observed: 1 variant allele.
Comment: DNAH7: BP4, BP7

PreventionGenetics, part of Exact Sciences
Classification: Likely benign for DNAH7-related condition. Last evaluated: 2019-02-21. Review status: no assertion criteria provided. Collection method: clinical testing. Allele origin: germline. Not counted in ClinVar's aggregate classification.
Comment: This variant is classified as likely benign based on ACMG/AMP sequence variant interpretation guidelines (Richards et al. 2015 PMID: 25741868, with internal and published modifications).

NM_018897.3(DNAH7):c.3978T>C (p.Pro1326=)

Gene: DNAH7 (dynein axonemal heavy chain 7; minus strand). Cytogenetic location: 2q32.3.
Variant type: single nucleotide variant.
Coding change: c.3978T>C on transcript NM_018897.3 (MANE Select); coding-DNA position 3978, T replaced by C.
Protein change: p.Pro1326=; no amino-acid change (proline 1326 retained).
Molecular consequence: synonymous variant.
Genome position (GRCh38, 1-based): chr2:195,910,153, A>G on the plus strand (T>C on the coding strand, the complement: DNAH7 is on the minus strand). VCF-style: chr2-195910153-A-G. GRCh37 (hg19) VCF-style: chr2-196774877-A-G.
Identifiers: ClinVar variation 3034990 (VCV003034990.15), dbSNP rs200575809, ClinGen allele CA2035868.
Genomic context (GRCh38, chr2:195,910,153, plus strand): 5'-GGCTACAGCTTTTGCCAAATCCTTGGTAGTTTCAGTCTTCCCAGTGCCAGCTGGACCCTC[A>G]GGTGCTCCTCCAAGGTGCAAATGAAGGGCTCCAAATAAGGTTCTGAAACATATGAAATAG-3'
Protein context (NP_061720.2, residues 1316-1336): GALHLHLGGA[Pro1326=]EGPAGTGKTE